The following is an entry in ClinVar:

ClinVar aggregate classification (germline): Uncertain significance. Review status: criteria provided, multiple submitters, no conflicts (2 of 4 stars). 2 submissions from 2 submitters: Uncertain significance (2). Last evaluated 2024-05-21.

Conditions:
Chédiak-Higashi syndrome (CHS). Also called: Chediak-Higashi Syndrome. Identifiers: Orphanet 167, MedGen C0007965, MONDO:0008963, OMIM 214500.

Allele frequency attached by ClinVar (database versions not stated): gnomAD exomes below 0.00001 and 0.00002; gnomAD 0.00001; TOPMed 0.00001.
gnomAD v4.1: 33 of 1,613,058 alleles (0.002%); highest among the groups gnomAD compares: Non-Finnish European, 0.0025%; no homozygotes.

Submissions (2):

Labcorp Genetics (formerly Invitae), Labcorp
Classification: Uncertain significance for Chédiak-Higashi syndrome. Last evaluated: 2024-05-21. Review status: criteria provided, single submitter. Criteria: Invitae Variant Classification Sherloc (09022015). Collection method: clinical testing. Allele origin: germline.
Comment: This sequence change replaces lysine, which is basic and polar, with glutamic acid, which is acidic and polar, at codon 2721 of the LYST protein (p.Lys2721Glu). This variant is present in population databases (rs762099794, gnomAD 0.002%). This variant has not been reported in the literature in individuals affected with LYST-related conditions. ClinVar contains an entry for this variant (Variation ID: 1308165). Advanced modeling of protein sequence and biophysical properties (such as structural, functional, and spatial information, amino acid conservation, physicochemical variation, residue mobility, and thermodynamic stability) performed at Invitae indicates that this missense variant is not expected to disrupt LYST protein function with a negative predictive value of 80%. In summary, the available evidence is currently insufficient to determine the role of this variant in disease. Therefore, it has been classified as a Variant of Uncertain Significance.

GeneDx
Classification: Uncertain significance. Last evaluated: 2019-03-21. Review status: criteria provided, single submitter. Criteria: GeneDx Variant Classification Process June 2021. Collection method: clinical testing. Allele origin: germline. Affected: yes.
Comment: Not observed at a significant frequency in large population cohorts (Lek et al., 2016); In silico analysis, which includes protein predictors and evolutionary conservation, supports that this variant does not alter protein structure/function; Has not been previously published as pathogenic or benign to our knowledge

NM_000081.4(LYST):c.8161A>G (p.Lys2721Glu)

Gene: LYST (lysosomal trafficking regulator; minus strand). Cytogenetic location: 1q42.3.
Variant type: single nucleotide variant.
Coding change: c.8161A>G on transcript NM_000081.4 (MANE Select); coding-DNA position 8161, A replaced by G.
Protein change: p.Lys2721Glu; replaces lysine 2721 with glutamic acid.
Molecular consequence: missense variant.
Genome position (GRCh38, 1-based): chr1:235,741,619, T>C on the plus strand (A>G on the coding strand, the complement: LYST is on the minus strand). VCF-style: chr1-235741619-T-C. GRCh37 (hg19) VCF-style: chr1-235904919-T-C.
Other names: c.8161A>G, p.Lys2721Glu (NM_001301365.1); short protein forms K2721E.
Identifiers: ClinVar variation 1308165 (VCV001308165.6), dbSNP rs762099794, ClinGen allele CA39604559.
Genomic context (GRCh38, chr1:235,741,619, plus strand): 5'-GGAAGGTCTCCTTACAAGACCACAGAATTTTAGTCCATTGCTGCTTGGAACCACTGGCTT[T>C]ACTTGAACCCTAAAATCAATCAAGATAGGAATGAATTAGGATCAGACTGCTTAAGCAATA-3'
Protein context (NP_000072.2, residues 2711-2731): EGFKVSIGSS[Lys2721Glu]ASGSKQQWTK